The following is an entry in ClinVar:

NM_015047.3(EMC1):c.2771C>G (p.Thr924Arg)

Genes: EMC1 (ER membrane protein complex subunit 1; minus strand), EMC1-AS1 (EMC1 antisense RNA 1; plus strand). Cytogenetic location: 1p36.13.
Variant type: single nucleotide variant.
Coding change: c.2771C>G on transcript NM_015047.3 (MANE Select); coding-DNA position 2771, C replaced by G.
Protein change: p.Thr924Arg; replaces threonine 924 with arginine.
Molecular consequence: missense variant.
Genome position (GRCh38, 1-based): chr1:19,219,600, G>C on the plus strand (C>G on the coding strand, the complement: EMC1 is on the minus strand). VCF-style: chr1-19219600-G-C. GRCh37 (hg19) VCF-style: chr1-19546094-G-C.
Other names: c.2768C>G, p.Thr923Arg (NM_001271427.2, NM_001271428.2); c.2705C>G, p.Thr902Arg (NM_001271429.2); c.2780C>G, p.Thr927Arg (NM_001375820.1); c.2777C>G, p.Thr926Arg (NM_001375821.1); short protein forms T923R, T927R, T902R, T926R, T924R.
Identifiers: ClinVar variation 3646418 (VCV003646418.2).

ClinVar aggregate classification (germline): Uncertain significance (1 of 4 stars; one submission).

Submission:

Labcorp Genetics (formerly Invitae), Labcorp
Classification: Uncertain significance. Last evaluated: 2024-03-16. Review status: criteria provided, single submitter. Criteria: Invitae Variant Classification Sherloc (09022015). Collection method: clinical testing. Allele origin: germline.
Comment: This sequence change replaces threonine, which is neutral and polar, with arginine, which is basic and polar, at codon 924 of the EMC1 protein (p.Thr924Arg). This variant is present in population databases (rs749946960, gnomAD 0.0009%). This variant has not been reported in the literature in individuals affected with EMC1-related conditions. Advanced modeling of protein sequence and biophysical properties (such as structural, functional, and spatial information, amino acid conservation, physicochemical variation, residue mobility, and thermodynamic stability) performed at Invitae indicates that this missense variant is expected to disrupt EMC1 protein function with a positive predictive value of 80%. In summary, the available evidence is currently insufficient to determine the role of this variant in disease. Therefore, it has been classified as a Variant of Uncertain Significance.